The following is an entry in ClinVar:

NM_022893.4(BCL11A):c.515G>C (p.Cys172Ser)

Gene: BCL11A (BCL11 transcription factor A; minus strand). Cytogenetic location: 2p16.1.
Variant type: single nucleotide variant.
Coding change: c.515G>C on transcript NM_022893.4 (MANE Select); coding-DNA position 515, G replaced by C.
Protein change: p.Cys172Ser; replaces cysteine 172 with serine.
Molecular consequence: missense variant. On other transcripts: non-coding transcript variant (1).
Genome position (GRCh38, 1-based): chr2:60,462,397, C>G on the plus strand (G>C on the coding strand, the complement: BCL11A is on the minus strand). VCF-style: chr2-60462397-C-G. GRCh37 (hg19) VCF-style: chr2-60689532-C-G.
Other names: p.Cys172Ser; c.413G>C, p.Cys138Ser (NM_001363864.1, NM_001365609.1, NM_001405711.1 and 3 more transcripts); c.515G>C, p.Cys172Ser (NM_001405708.1, NM_001405709.1, NM_001405710.1 and 4 more transcripts); c.359G>C, p.Cys120Ser (NM_001405713.1, NM_001405714.1, NM_001405715.1 and 6 more transcripts); c.257G>C, p.Cys86Ser (NM_001405717.1, NM_001405718.1, NM_001405724.1 and 1 more transcripts); c.182G>C, p.Cys61Ser (NM_001405720.1, NM_001405721.1); c.59G>C, p.Cys20Ser (NM_001405725.1, NM_001405726.1, NM_001405727.1 and 2 more transcripts); short protein forms C120S, C138S, C172S, C20S, C61S, C86S.
Identifiers: ClinVar variation 2573334 (VCV002573334.2), dbSNP rs2466268951, ClinGen allele CA347040035.

ClinVar aggregate classification (germline): Uncertain significance (1 of 4 stars; one submission).

Conditions:
Dias-Logan syndrome. Also called: INTELLECTUAL DEVELOPMENTAL DISORDER WITH HEREDITARY PERSISTENCE OF FETAL HEMOGLOBIN; Intellectual developmental disorder with persistence of fetal hemoglobin. Identifiers: Orphanet 619233, MedGen C4310833, MONDO:0014914, OMIM 617101.

Submission:

Foundation for Research in Genetics and Endocrinology, FRIGE's Institute of Human Genetics
Classification: Uncertain significance for Dias-Logan syndrome. Last evaluated: 2023-07-22. Review status: criteria provided, single submitter. Criteria: ACMG Guidelines, 2015. Collection method: clinical testing. Allele origin: germline. Inheritance: Autosomal dominant inheritance. Affected: yes. Observed: 1 heterozygote.
Comment: A heterozygous missense variant in exon 4 of the BCL11A gene that results in the amino acid substitution of Serine for Cysteine at codon 172 (p.Cys172Ser) was detected. The p.Cys172Ser variant has not been reported in the 1000 genomes, gnomAD (v3.1), gnomdAD (v2) and topmed databases. The in silico predictions of the variant are probably damaging by PolyPhen-2 (HumDiv), damaging by SIFT and LRT. The reference codon is conserved across species. In summary, the variant meets our criteria to be classified as a variant of uncertain significance.